The following is an entry in ClinVar:

ClinVar aggregate classification (germline): Uncertain significance (1 of 4 stars; one submission).

Conditions:
Multiple endocrine neoplasia, type 2 (MEN2). Identifiers: Orphanet 653, MedGen C4048306, MONDO:0019003. Disease mechanism: gain of function.

Submission:

Labcorp Genetics (formerly Invitae), Labcorp
Classification: Uncertain significance for Multiple endocrine neoplasia, type 2. Last evaluated: 2024-03-26. Review status: criteria provided, single submitter. Criteria: Invitae Variant Classification Sherloc (09022015). Collection method: clinical testing. Allele origin: germline.
Comment: This sequence change replaces alanine, which is neutral and non-polar, with glycine, which is neutral and non-polar, at codon 432 of the RET protein (p.Ala432Gly). Information on the frequency of this variant in the gnomAD database is not available, as this variant may be reported differently in the database. This variant has not been reported in the literature in individuals affected with RET-related conditions. ClinVar contains an entry for this variant (Variation ID: 1489156). An algorithm developed to predict the effect of missense changes on protein structure and function (PolyPhen-2) suggests that this variant is likely to be tolerated. In summary, the available evidence is currently insufficient to determine the role of this variant in disease. Therefore, it has been classified as a Variant of Uncertain Significance.

NM_020975.6(RET):c.1295_1296delinsGG (p.Ala432Gly)

Gene: RET (ret proto-oncogene; plus strand). Cytogenetic location: 10q11.21.
Variant type: Indel.
Coding change: c.1295_1296delinsGG on transcript NM_020975.6 (MANE Select); coding-DNA positions 1295 to 1296, CA replaced by GG.
Protein change: p.Ala432Gly; replaces alanine 432 with glycine.
Molecular consequence: missense variant.
Genome position (GRCh38, 1-based): chr10:43,111,238-43,111,239, CA replaced by GG. VCF-style: chr10-43111238-CA-GG. GRCh37 (hg19) VCF-style: chr10-43606686-CA-GG.
Other names: c.1295_1296delCAinsGG, p.Ala432Gly (NM_000323.2, NM_001406743.1, NM_001406744.1 and 6 more transcripts); c.533_534delCAinsGG, p.Ala178Gly (NM_001355216.2); c.1166_1167delCAinsGG, p.Ala389Gly (NM_001406761.1, NM_001406762.1, NM_001406764.1 and 1 more transcripts); c.569_570delCAinsGG, p.Ala190Gly (NM_001406776.1, NM_001406777.1, NM_001406778.1 and 1 more transcripts); c.305_306delCAinsGG, p.Ala102Gly (NM_001406784.1); c.1007_1008delCAinsGG, p.Ala336Gly (NM_001406766.1, NM_001406767.1, NM_001406770.1); c.899_900delCAinsGG, p.Ala300Gly (NM_001406769.1, NM_001406772.1); c.857_858delCAinsGG, p.Ala286Gly (NM_001406771.1, NM_001406773.1); and 1 more; short protein forms A178G, A432G, A102G, A257G, A336G, A190G, A286G, A389G.
Identifiers: ClinVar variation 1489156 (VCV001489156.9), dbSNP rs386743165, ClinGen allele CA2573145051.